The following is an entry in ClinVar:

NM_033064.5(ATCAY):c.370G>A (p.Val124Met)

Gene: ATCAY (ATCAY kinesin light chain interacting caytaxin; plus strand). Cytogenetic location: 19p13.3.
Variant type: single nucleotide variant.
Coding change: c.370G>A on transcript NM_033064.5 (MANE Select); coding-DNA position 370, G replaced by A.
Protein change: p.Val124Met; replaces valine 124 with methionine.
Molecular consequence: missense variant.
Genome position (GRCh38, 1-based): chr19:3,907,745, G>A. VCF-style: chr19-3907745-G-A. GRCh37 (hg19) VCF-style: chr19-3907743-G-A.
Other names: short protein forms V124M.
Identifiers: ClinVar variation 1029011 (VCV001029011.2), dbSNP rs147684273, ClinGen allele CA9087141.

ClinVar aggregate classification (germline): Uncertain significance. Review status: criteria provided, multiple submitters, no conflicts (2 of 4 stars). 2 submissions from 2 submitters: Uncertain significance (2). Last evaluated 2024-03-26.

Conditions:
Inborn genetic diseases. Identifiers: MedGen C0950123, MeSH D030342.
Cayman type cerebellar ataxia. Also called: Cayman ataxia. Identifiers: Orphanet 94122, MedGen C1832585, MONDO:0011025, OMIM 601238.

Allele frequency attached by ClinVar (database versions not stated): gnomAD 0.00005; gnomAD exomes 0.00006 and 0.00010; TOPMed 0.00006; ESP Exome Variant Server 0.00008; ExAC 0.00009; 1000 Genomes Project 30x 0.00016; 1000 Genomes Project 0.00020.
gnomAD v4.1: 97 of 1,614,012 alleles (0.006%); highest among the groups gnomAD compares: East Asian, 0.0089%; no homozygotes.

Submissions (2):

Ambry Genetics
Classification: Uncertain significance for Inborn genetic diseases. Last evaluated: 2024-03-26. Review status: criteria provided, single submitter. Criteria: Ambry Variant Classification Scheme 2023. Collection method: clinical testing. Allele origin: germline.

Baylor Genetics
Classification: Uncertain significance for Cayman type cerebellar ataxia. Last evaluated: 2020-07-24. Review status: criteria provided, single submitter. Criteria: ACMG Guidelines, 2015. Collection method: clinical testing. Allele origin: unknown. Affected: yes.
Comment: This variant was determined to be of uncertain significance according to ACMG Guidelines, 2015 [PMID:25741868].